The following is an entry in ClinVar:

ClinVar aggregate classification (germline): Likely benign. Review status: criteria provided, multiple submitters, no conflicts (2 of 4 stars). 5 submissions from 5 submitters: Likely benign (5). Last evaluated 2025-11-12.

Conditions:
Cardiovascular phenotype. Identifiers: MedGen CN230736.
Familial hypobetalipoproteinemia 1. Also called: Hypobetalipoproteinemia, normotriglyceridemic; Acanthocytosis with hypobetalipoproteinemia; APOB-Related Familial Hypobetalipoproteinemia. Identifiers: MedGen C4551990, MONDO:0014252, OMIM 615558.
Hypercholesterolemia, autosomal dominant, type B (FHCL2). Also called: Hyperlipoproteinemia Type IIb; APOLIPOPROTEIN B-100, FAMILIAL DEFECTIVE; APOLIPOPROTEIN B-100, FAMILIAL LIGAND-DEFECTIVE; Familial hypercholesterolemia 2; APOB-Related Familial Hypercholesterolemia, Autosomal Dominant; Familial Hypercholesterolemia Type B. Identifiers: MedGen C1704417, MONDO:0007751, OMIM 144010.
Familial hypercholesterolemia. Also called: Familial hypercholesterolemias; Familial hypercholesterolaemia. Identifiers: MedGen C0020445, MONDO:0005439.

Allele frequency attached by ClinVar (database versions not stated): ExAC 0.00001; gnomAD exomes 0.00002 and 0.00003; TOPMed 0.00004; gnomAD 0.00005; ESP Exome Variant Server 0.00008.
gnomAD v4.1: 54 of 1,613,976 alleles (0.0033%); highest among the groups gnomAD compares: Middle Eastern, 0.033%; no homozygotes.

Submissions (5):

Labcorp Genetics (formerly Invitae), Labcorp
Classification: Likely benign for Familial hypobetalipoproteinemia 1; Hypercholesterolemia, autosomal dominant, type B. Last evaluated: 2025-11-12. Review status: criteria provided, single submitter. Criteria: Invitae Variant Classification Sherloc (09022015). Collection method: clinical testing. Allele origin: germline.

GENinCode PLC
Classification: Likely benign for Familial hypercholesterolemia. Last evaluated: 2024-10-22. Review status: criteria provided, single submitter. Criteria: ACMG Guidelines, 2015. Collection method: clinical testing. Allele origin: germline.
Comment: This is a synonymous (silent) variant that is not predicted by SpliceAI to impact splicing. In addition, it occurs at a nucleotide that is not conserved. Therefore this variant has been classified as Likely Benign (BP4, BP7).

Blueprint Genetics
Classification: Likely benign. Last evaluated: 2024-09-11. Review status: criteria provided, single submitter. Criteria: ACMG Guidelines, 2015. Collection method: clinical testing. Allele origin: germline.

Ambry Genetics
Classification: Likely benign for Cardiovascular phenotype. Last evaluated: 2022-10-07. Review status: criteria provided, single submitter. Criteria: Ambry Variant Classification Scheme 2023. Collection method: clinical testing. Allele origin: germline.

GeneDx
Classification: Likely benign. Last evaluated: 2017-04-06. Review status: criteria provided, single submitter. Criteria: GeneDx Variant Classification (06012015). Collection method: clinical testing. Allele origin: germline. Affected: yes.
Comment: This variant is considered likely benign or benign based on one or more of the following criteria: it is a conservative change, it occurs at a poorly conserved position in the protein, it is predicted to be benign by multiple in silico algorithms, and/or has population frequency not consistent with disease.

NM_000384.3(APOB):c.7575A>G (p.Gln2525=)

Gene: APOB (apolipoprotein B; minus strand). Cytogenetic location: 2p24.1.
Variant type: single nucleotide variant.
Coding change: c.7575A>G on transcript NM_000384.3 (MANE Select); coding-DNA position 7575, A replaced by G.
Protein change: p.Gln2525=; no amino-acid change (glutamine 2525 retained).
Molecular consequence: synonymous variant.
Genome position (GRCh38, 1-based): chr2:21,009,293, T>C on the plus strand (A>G on the coding strand, the complement: APOB is on the minus strand). VCF-style: chr2-21009293-T-C. GRCh37 (hg19) VCF-style: chr2-21232165-T-C.
Identifiers: ClinVar variation 508647 (VCV000508647.18), dbSNP rs377302171, ClinGen allele CA064527.
Genomic context (GRCh38, chr2:21,009,293, plus strand): 5'-TGTGCTATAAACCTGGCCTACCAGAGACAGGTATCGTTGAAGTTCCTGCTGAATGTCCAT[T>C]TGATACATTCGGTCTCGTGTATCTTCTAGGGTCTCTCGGAATTTGGCCTTCATGTGAGCC-3'
Protein context (NP_000375.3, residues 2515-2535): TLEDTRDRMY[Gln2525=]MDIQQELQRY